The following is an entry in ClinVar:

ClinVar aggregate classification (germline): Uncertain significance (1 of 4 stars; one submission).

Conditions:
Spinocerebellar ataxia 42, early-onset, severe, with neurodevelopmental deficits. Identifiers: MedGen C4748120, MONDO:0060758, OMIM 618087.

Allele frequency attached by ClinVar (database versions not stated): gnomAD exomes below 0.00001.
gnomAD v4.1: 1 of 1,613,576 alleles (0.000062%); highest among the groups gnomAD compares: Non-Finnish European, 0.000085%; no homozygotes.

Submission:

Victorian Clinical Genetics Services, Murdoch Childrens Research Institute
Classification: Uncertain significance for Spinocerebellar ataxia 42, early-onset, severe, with neurodevelopmental deficits. Last evaluated: 2023-12-21. Review status: criteria provided, single submitter. Criteria: ACMG Guidelines, 2015. Collection method: clinical testing. Allele origin: germline. Inheritance: Autosomal dominant inheritance. Affected: yes.
Comment: Based on the classification scheme VCGS_Germline_v1.3.4, this variant is classified as VUS-3B. Following criteria are met: 0101 - Gain of function is a mechanism of disease in this gene and is associated with severe, early-onset spinocerebellar ataxia 42, with neurodevelopmental deficits (MIM#618087) (PMID: 29878067, 32878331). Loss of function and dominant negative have been suggested for spinocerebellar ataxia 42 (MIM#616795); however, evidence demonstrating this is currently limited (PMID: 29878067). (I) 0107 - This gene is associated with autosomal dominant disease. (I) 0200 - Variant is predicted to result in a missense amino acid change from glycine to arginine. (I) 0251 - This variant is heterozygous. (I) 0301 - Variant is absent from gnomAD (both v2 and v3). (SP) 0501 - Missense variant consistently predicted to be damaging by multiple in silico tools or highly conserved with a major amino acid change. (SP) 0600 - Variant is located in the annotated ion transport protein domain (DECIPHER). (I) 0705 - No comparable missense variants have previous evidence for pathogenicity. (I) 0807 - This variant has no previous evidence of pathogenicity. (I) 0905 - No published segregation evidence has been identified for this variant. (I) 1007 - No published functional evidence has been identified for this variant. (I) 1208 - Inheritance information for this variant is not currently available in this individual. (I) Legend: (SP) - Supporting pathogenic, (I) - Information, (SB) - Supporting benign

Literature cited by the submitters: PubMed 29878067; PubMed 32878331.

NM_018896.5(CACNA1G):c.4051G>A (p.Gly1351Arg)

Gene: CACNA1G (calcium voltage-gated channel subunit alpha1 G; plus strand). Cytogenetic location: 17q21.33.
Variant type: single nucleotide variant.
Coding change: c.4051G>A on transcript NM_018896.5 (MANE Select); coding-DNA position 4051, G replaced by A.
Protein change: p.Gly1351Arg; replaces glycine 1351 with arginine.
Molecular consequence: missense variant. On other transcripts: non-coding transcript variant (5).
Genome position (GRCh38, 1-based): chr17:50,603,081, G>A. VCF-style: chr17-50603081-G-A. GRCh37 (hg19) VCF-style: chr17-48680442-G-A.
Other names: c.4051G>A, p.Gly1351Arg (NM_001256324.2, NM_001256325.2, NM_001256326.2 and 16 more transcripts); c.3982G>A, p.Gly1328Arg (NM_001256332.2, NM_198376.3, NM_198379.3 and 5 more transcripts); short protein forms G1328R, G1351R.
Identifiers: ClinVar variation 3255188 (VCV003255188.1), dbSNP rs2545490933.